The following is an entry in ClinVar:

ClinVar aggregate classification (germline): Uncertain significance (1 of 4 stars; one submission).

Allele frequency attached by ClinVar (database versions not stated): ExAC 0.00001; gnomAD 0.00001; TOPMed 0.00002; gnomAD exomes 0.00003.
gnomAD v4.1: 44 of 1,614,108 alleles (0.0027%); highest among the groups gnomAD compares: Non-Finnish European, 0.0035%; no homozygotes.

Submission:

Labcorp Genetics (formerly Invitae), Labcorp
Classification: Uncertain significance. Last evaluated: 2025-10-29. Review status: criteria provided, single submitter. Criteria: Invitae Variant Classification Sherloc (09022015). Collection method: clinical testing. Allele origin: germline.
Comment: This sequence change replaces arginine, which is basic and polar, with glutamine, which is neutral and polar, at codon 456 of the ANKZF1 protein (p.Arg456Gln). This variant is present in population databases (rs751709088, gnomAD 0.004%). This variant has not been reported in the literature in individuals affected with ANKZF1-related conditions. ClinVar contains an entry for this variant (Variation ID: 2421233). An algorithm developed to predict the effect of missense changes on protein structure and function (PolyPhen-2) suggests that this variant is likely to be tolerated. In summary, the available evidence is currently insufficient to determine the role of this variant in disease. Therefore, it has been classified as a Variant of Uncertain Significance.

NM_018089.3(ANKZF1):c.1367G>A (p.Arg456Gln)

Gene: ANKZF1 (ankyrin repeat and zinc finger peptidyl tRNA hydrolase 1; plus strand). Cytogenetic location: 2q35.
Variant type: single nucleotide variant.
Coding change: c.1367G>A on transcript NM_018089.3 (MANE Select); coding-DNA position 1367, G replaced by A.
Protein change: p.Arg456Gln; replaces arginine 456 with glutamine.
Molecular consequence: missense variant.
Genome position (GRCh38, 1-based): chr2:219,234,988, G>A. VCF-style: chr2-219234988-G-A. GRCh37 (hg19) VCF-style: chr2-220099710-G-A.
Other names: c.1367G>A, p.Arg456Gln (NM_001042410.2); c.737G>A, p.Arg246Gln (NM_001282792.2); short protein forms R246Q, R456Q.
Identifiers: ClinVar variation 2421233 (VCV002421233.6), dbSNP rs751709088, ClinGen allele CA2121048.
Genomic context (GRCh38, chr2:219,234,988, plus strand): 5'-GGAGGAGGAGAAAAAGGAATAAGAAGGAGAAAAGCCGAGACCAGGAGGCTGGGGCACATC[G>A]GACTCTTCTCCAGCAAACTCAAGAAGAGGAGCCTTCCACACAGTCATCCCAGGCAGTTGC-3'
Protein context (NP_060559.2, residues 446-466): KSRDQEAGAH[Arg456Gln]TLLQQTQEEE